The following is an entry in ClinVar:

ClinVar aggregate classification (germline): Uncertain significance (1 of 4 stars; one submission).

Conditions:
Ataxia-telangiectasia syndrome (AT). Also called: LOUIS-BAR SYNDROME; AT, COMPLEMENTATION GROUP C; ATAXIA-TELANGIECTASIA, COMPLEMENTATION GROUP A; ATAXIA-TELANGIECTASIA, FRESNO VARIANT; Ataxia-telangiectasia; Cerebello-oculocutaneous telangiectasia. Identifiers: Orphanet 100, MedGen C0004135, MONDO:0008840, OMIM 208900.

Submission:

Labcorp Genetics (formerly Invitae), Labcorp
Classification: Uncertain significance for Ataxia-telangiectasia syndrome. Last evaluated: 2023-05-31. Review status: criteria provided, single submitter. Criteria: Invitae Variant Classification Sherloc (09022015). Collection method: clinical testing. Allele origin: germline.
Comment: An algorithm developed to predict the effect of missense changes on protein structure and function (PolyPhen-2) suggests that this variant is likely to be tolerated. This variant has not been reported in the literature in individuals affected with ATM-related conditions. This variant is not present in population databases (gnomAD no frequency). This sequence change replaces asparagine, which is neutral and polar, with lysine, which is basic and polar, at codon 338 of the ATM protein (p.Asn338Lys). In summary, the available evidence is currently insufficient to determine the role of this variant in disease. Therefore, it has been classified as a Variant of Uncertain Significance.

NM_000051.4(ATM):c.1014T>A (p.Asn338Lys)

Gene: ATM (ATM serine/threonine kinase; plus strand). Cytogenetic location: 11q22.3.
Variant type: single nucleotide variant.
Coding change: c.1014T>A on transcript NM_000051.4 (MANE Select); coding-DNA position 1014, T replaced by A.
Protein change: p.Asn338Lys; replaces asparagine 338 with lysine.
Molecular consequence: missense variant.
Genome position (GRCh38, 1-based): chr11:108,247,076, T>A. VCF-style: chr11-108247076-T-A. GRCh37 (hg19) VCF-style: chr11-108117803-T-A.
Other names: c.1014T>A, p.Asn338Lys (NM_001351834.2); short protein forms N338K.
Identifiers: ClinVar variation 2752932 (VCV002752932.3), dbSNP rs1555068510, ClinGen allele CA382531461.